The following is an entry in ClinVar:

ClinVar aggregate classification (germline): Pathogenic/Likely pathogenic. Review status: criteria provided, multiple submitters, no conflicts (2 of 4 stars). 11 submissions from 11 submitters: Pathogenic (6); Likely pathogenic (1). 4 of the submissions do not count toward it. Last evaluated 2026-07-20.

Conditions:
Cardiovascular phenotype. Identifiers: MedGen CN230736.
CYP27A1-related disorder. Also called: CYP27A1-related condition.
Cholestanol storage disease (CTX). Also called: CEREBRAL CHOLESTERINOSIS; Cerebrotendinous Xanthomatosis; CTX: Cerebrotendinous xanthomatosis. Identifiers: Orphanet 909, MedGen C0238052, MONDO:0008948, OMIM 213700.

Submissions (11):

Ambry Genetics
Classification: Pathogenic for Cardiovascular phenotype. Last evaluated: 2026-07-20. Review status: criteria provided, single submitter. Criteria: Ambry Variant Classification Scheme 2023. Collection method: clinical testing. Allele origin: germline.
Comment: The c.944_948delTGGCC pathogenic mutation, located in coding exon 5 of the CYP27A1 gene, results from a deletion of 5 nucleotides at nucleotide positions 944 to 948, causing a translational frameshift with a predicted alternate stop codon (p.L315Qfs*15). This variant has been identified in the homozygous state and/or in conjunction with other CYP27A1 variant(s) in individual(s) with features consistent with cerebrotendinous xanthomatosis (Lamon-Fava S et al. Clin Genet, 2002 Mar;61:185-91). Note, this variant is also referred to as a five nucleotide deletion of TGGCC at positions 965&ndash;969 of the cDNA in the literature. This alteration is expected to result in loss of function by premature protein truncation or nonsense-mediated mRNA decay. As such, this alteration is interpreted as a disease-causing mutation.

Natera, Inc.
Classification: Likely pathogenic for Cerebrotendinous xanthomatosis. Last evaluated: 2025-12-03. Review status: criteria provided, single submitter. Criteria: Natera Variant Classification Schema (03/2026). Collection method: clinical testing. Allele origin: germline.
Comment: The c.944_948delTGGCC variant in CYP27A1 is a frameshift variant predicted to shift the reading frame beginning at codon 315 and leads to a stop codon 15 codons downstream. This variant is expected to result in nonsense mediated decay, truncation, or a dysfunctional protein product. This variant is rare in the general population with a frequency below the threshold expected for the associated phenotype(s). Given the available evidence, this variant is classified as Likely Pathogenic.

Labcorp Genetics (formerly Invitae), Labcorp
Classification: Pathogenic for Cholestanol storage disease. Last evaluated: 2025-11-06. Review status: criteria provided, single submitter. Criteria: Invitae Variant Classification Sherloc (09022015). Collection method: clinical testing. Allele origin: germline.
Comment: This sequence change creates a premature translational stop signal (p.Leu315Glnfs*15) in the CYP27A1 gene. It is expected to result in an absent or disrupted protein product. Loss-of-function variants in CYP27A1 are known to be pathogenic (PMID: 9392430, 10775536, 26937392). This variant is present in population databases (rs770589184, gnomAD 0.01%). This premature translational stop signal has been observed in individual(s) with clinical features of cerebrotendinous xanthomatosis (PMID: 12000359). This variant is also known as a five nucleotide deletion (TGGCC; nucleotides 965–969 of the cDNA). ClinVar contains an entry for this variant (Variation ID: 4265). For these reasons, this variant has been classified as Pathogenic.

Fulgent Genetics
Classification: Pathogenic for Cholestanol storage disease. Last evaluated: 2024-06-17. Review status: criteria provided, single submitter. Criteria: ACMG Guidelines, 2015. Collection method: clinical testing. Allele origin: germline.

Baylor Genetics
Classification: Pathogenic for Cholestanol storage disease. Last evaluated: 2024-01-25. Review status: criteria provided, single submitter. Criteria: ACMG Guidelines, 2015. Collection method: clinical testing. Allele origin: unknown.

Revvity Omics, Revvity
Classification: Pathogenic for Cholestanol storage disease. Last evaluated: 2020-04-03. Review status: criteria provided, single submitter. Criteria: ACMG Guidelines, 2015. Collection method: clinical testing. Allele origin: germline.

Eurofins Ntd Llc (ga)
Classification: Pathogenic. Last evaluated: 2018-06-05. Review status: criteria provided, single submitter. Criteria: EGL ClinVar v180209 classification definitions. Collection method: clinical testing. Allele origin: germline. Observed: 1 variant allele, 1 heterozygote.

PreventionGenetics, part of Exact Sciences
Classification: Pathogenic for CYP27A1-related condition. Last evaluated: 2024-08-09. Review status: no assertion criteria provided. Collection method: clinical testing. Allele origin: germline. Not counted in ClinVar's aggregate classification.
Comment: The CYP27A1 c.944_948del5 variant is predicted to result in a frameshift and premature protein termination (p.Leu315Glnfs*15). This variant has been reported in at least one individual with autosomal recessive cerebrotendinous xanthomatosis (reported as five-nucleotide deletion in Figure 2, Lamon-Fava et al. 2002. PubMed ID: 12000359; Nóbrega et al. 2022. PubMed ID: 36619921). This variant is reported in 0.012% of alleles in individuals of African descent in gnomAD. Frameshift variants in CYP27A1 are expected to be pathogenic. This variant is interpreted as pathogenic.

Counsyl
Classification: Likely pathogenic for Cholestanol storage disease. Last evaluated: 2017-03-22. Review status: no assertion criteria provided. Collection method: clinical testing. Allele origin: unknown. Not counted in ClinVar's aggregate classification.

GeneReviews
Classification: Pathogenic for Cerebrotendinous Xanthomatosis. Last evaluated: 2013-08-01. Review status: no assertion criteria provided. Collection method: curation. Allele origin: unknown. Not counted in ClinVar's aggregate classification.
ClinVar note: Converted during submission from pathologic to Pathogenic.

OMIM
Classification: Pathogenic for CEREBROTENDINOUS XANTHOMATOSIS. Last evaluated: 2002-03-01. Review status: no assertion criteria provided. Collection method: literature only. Allele origin: germline. Not counted in ClinVar's aggregate classification.

Literature cited by the submitters: PubMed 12000359 (cited by 4 submitters); PubMed 9392430 (cited by Labcorp Genetics (formerly Invitae), Labcorp); PubMed 10775536 (cited by Labcorp Genetics (formerly Invitae), Labcorp); PubMed 26937392 (cited by Labcorp Genetics (formerly Invitae), Labcorp).

NM_000784.4(CYP27A1):c.944_948del (p.Leu315fs)

Gene: CYP27A1 (cytochrome P450 family 27 subfamily A member 1; plus strand). Cytogenetic location: 2q35.
Variant type: Deletion.
Coding change: c.944_948del on transcript NM_000784.4 (MANE Select); coding-DNA positions 944 to 948, 5 bases deleted (TGGCC; older notation c.944_948delTGGCC).
Protein change: p.Leu315fs; shifts the reading frame from leucine 315.
Molecular consequence: frameshift variant.
Genome position (GRCh38, 1-based): chr2:218,813,023-218,813,027, TGGCC deleted; deleting any 5 consecutive bases within chr2:218,813,022-218,813,027 gives the same sequence; the c. name uses the placement nearest the transcript's 3' end. VCF-style (leftmost placement, unchanged base first): chr2-218813021-ACTGGC-A. GRCh37 (hg19) VCF-style: chr2-219677744-ACTGGC-A.
Other names: c.944_948delTGGCC; c.944_948delTGGCC (NM_000784.3); short protein forms L315fs.
Identifiers: ClinVar variation 4265 (VCV000004265.27), dbSNP rs397515356, ClinGen allele CA340220.